The following is an entry in ClinVar:

NM_017654.4(SAMD9):c.394G>T (p.Ala132Ser)

Gene: SAMD9 (sterile alpha motif domain containing 9; minus strand). Cytogenetic location: 7q21.2.
Variant type: single nucleotide variant.
Coding change: c.394G>T on transcript NM_017654.4 (MANE Select); coding-DNA position 394, G replaced by T.
Protein change: p.Ala132Ser; replaces alanine 132 with serine.
Molecular consequence: missense variant.
Genome position (GRCh38, 1-based): chr7:93,105,704, C>A on the plus strand (G>T on the coding strand, the complement: SAMD9 is on the minus strand). VCF-style: chr7-93105704-C-A. GRCh37 (hg19) VCF-style: chr7-92735017-C-A.
Other names: c.394G>T, p.Ala132Ser (NM_001193307.2); short protein forms A132S.
Identifiers: ClinVar variation 4159134 (VCV004159134.1).

ClinVar aggregate classification (germline): Uncertain significance (1 of 4 stars; one submission).

Conditions:
Inborn genetic diseases. Identifiers: MedGen C0950123, MeSH D030342.

Submission:

Ambry Genetics
Classification: Uncertain significance for Inborn genetic diseases. Last evaluated: 2025-08-08. Review status: criteria provided, single submitter. Criteria: Ambry Variant Classification Scheme 2023. Collection method: clinical testing. Allele origin: germline.
Comment: The p.A132S variant (also known as c.394G>T), located in coding exon 1 of the SAMD9 gene, results from a G to T substitution at nucleotide position 394. The alanine at codon 132 is replaced by serine, an amino acid with similar properties. This amino acid position is conserved. In addition, this alteration is predicted to be tolerated by in silico analysis. Based on the available evidence, the clinical significance of this variant remains unclear.